The following is an entry in ClinVar:

ClinVar aggregate classification (germline): Uncertain significance (1 of 4 stars; one submission).

Conditions:
Nemaline myopathy 6 (NEM6). Also called: Nemaline myopathy 6, autosomal dominant. Identifiers: Orphanet 171439, MedGen C1836472, MONDO:0012237, OMIM 609273.

Submission:

Labcorp Genetics (formerly Invitae), Labcorp
Classification: Uncertain significance for Nemaline myopathy 6. Last evaluated: 2022-11-22. Review status: criteria provided, single submitter. Criteria: Invitae Variant Classification Sherloc (09022015). Collection method: clinical testing. Allele origin: germline.
Comment: In summary, the available evidence is currently insufficient to determine the role of this variant in disease. Therefore, it has been classified as a Variant of Uncertain Significance. Advanced modeling of protein sequence and biophysical properties (such as structural, functional, and spatial information, amino acid conservation, physicochemical variation, residue mobility, and thermodynamic stability) performed at Invitae indicates that this missense variant is not expected to disrupt KBTBD13 protein function. ClinVar contains an entry for this variant (Variation ID: 1492311). This variant has not been reported in the literature in individuals affected with KBTBD13-related conditions. This variant is not present in population databases (gnomAD no frequency). This sequence change replaces arginine, which is basic and polar, with proline, which is neutral and non-polar, at codon 175 of the KBTBD13 protein (p.Arg175Pro).

NM_001101362.3(KBTBD13):c.524G>C (p.Arg175Pro)

Gene: KBTBD13 (kelch repeat and BTB domain containing 13; plus strand). Cytogenetic location: 15q22.31.
Variant type: single nucleotide variant.
Coding change: c.524G>C on transcript NM_001101362.3 (MANE Select); coding-DNA position 524, G replaced by C.
Protein change: p.Arg175Pro; replaces arginine 175 with proline.
Molecular consequence: missense variant.
Genome position (GRCh38, 1-based): chr15:65,077,339, G>C. VCF-style: chr15-65077339-G-C. GRCh37 (hg19) VCF-style: chr15-65369677-G-C.
Other names: short protein forms R175P.
Identifiers: ClinVar variation 1492311 (VCV001492311.6), dbSNP rs1226640143, ClinGen allele CA392861311.
Genomic context (GRCh38, chr15:65,077,339, plus strand): 5'-GCAGCTACGCGGCCGTGAGCACGCACACGCCCGCGCCCGGCTTCCTGGAGGACGCCTCGC[G>C]CACGCTGTGTTACCTGGACGAGGAAGAGGACGCGTGGCGCACGCTGGCTGCGCTGCCCCT-3'
Protein context (NP_001094832.1, residues 165-185): PAPGFLEDAS[Arg175Pro]TLCYLDEEED